The following is an entry in ClinVar:

ClinVar aggregate classification (germline): Uncertain significance (1 of 4 stars; one submission).

Conditions:
Progressive sclerosing poliodystrophy (MTDPS4A). Also called: Mitochondrial DNA Depletion Syndrome 4A; ALPERS PROGRESSIVE INFANTILE POLIODYSTROPHY; NEURONAL DEGENERATION OF CHILDHOOD WITH LIVER DISEASE, PROGRESSIVE; Mitochondrial DNA depletion syndrome 4A (Alpers type); Alpers-Huttenlocher Syndrome (AHS); Alpers Syndrome. Identifiers: Orphanet 726, MedGen C0205710, MONDO:0008758, OMIM 203700.

Submission:

Labcorp Genetics (formerly Invitae), Labcorp
Classification: Uncertain significance for Progressive sclerosing poliodystrophy. Last evaluated: 2022-10-15. Review status: criteria provided, single submitter. Criteria: Invitae Variant Classification Sherloc (09022015). Collection method: clinical testing. Allele origin: germline.
Comment: This sequence change replaces arginine, which is basic and polar, with serine, which is neutral and polar, at codon 361 of the POLG protein (p.Arg361Ser). This variant is not present in population databases (gnomAD no frequency). This variant has not been reported in the literature in individuals affected with POLG-related conditions. Advanced modeling of protein sequence and biophysical properties (such as structural, functional, and spatial information, amino acid conservation, physicochemical variation, residue mobility, and thermodynamic stability) performed at Invitae indicates that this missense variant is not expected to disrupt POLG protein function. In summary, the available evidence is currently insufficient to determine the role of this variant in disease. Therefore, it has been classified as a Variant of Uncertain Significance.

NM_002693.3(POLG):c.1083A>C (p.Arg361Ser)

Gene: POLG (DNA polymerase gamma, catalytic subunit; minus strand). Cytogenetic location: 15q26.1.
Variant type: single nucleotide variant.
Coding change: c.1083A>C on transcript NM_002693.3 (MANE Select); coding-DNA position 1083, A replaced by C.
Protein change: p.Arg361Ser; replaces arginine 361 with serine.
Molecular consequence: missense variant.
Genome position (GRCh38, 1-based): chr15:89,328,772, T>G on the plus strand (A>C on the coding strand, the complement: POLG is on the minus strand). VCF-style: chr15-89328772-T-G. GRCh37 (hg19) VCF-style: chr15-89872003-T-G.
Other names: c.1083A>C, p.Arg361Ser (NM_001126131.2); short protein forms R361S.
Identifiers: ClinVar variation 1955574 (VCV001955574.5), dbSNP rs2509261340, ClinGen allele CA393764962.